The following is an entry in ClinVar:

ClinVar aggregate classification (germline): Uncertain significance. Review status: criteria provided, multiple submitters, no conflicts (2 of 4 stars). 2 submissions from 2 submitters: Uncertain significance (2). Last evaluated 2025-04-01.

Conditions:
Inborn genetic diseases. Identifiers: MedGen C0950123, MeSH D030342.

Allele frequency attached by ClinVar (database versions not stated): gnomAD 0.00001; gnomAD exomes 0.00001; TOPMed 0.00002.

Submissions (2):

Ambry Genetics
Classification: Uncertain significance for Inborn genetic diseases. Last evaluated: 2025-04-01. Review status: criteria provided, single submitter. Criteria: Ambry Variant Classification Scheme 2023. Collection method: clinical testing. Allele origin: germline.

Labcorp Genetics (formerly Invitae), Labcorp
Classification: Uncertain significance. Last evaluated: 2024-01-25. Review status: criteria provided, single submitter. Criteria: Invitae Variant Classification Sherloc (09022015). Collection method: clinical testing. Allele origin: germline.
Comment: This sequence change replaces arginine, which is basic and polar, with glutamine, which is neutral and polar, at codon 138 of the TMEM240 protein (p.Arg138Gln). This variant is present in population databases (no rsID available, gnomAD 0.03%). This variant has not been reported in the literature in individuals affected with TMEM240-related conditions. An algorithm developed to predict the effect of missense changes on protein structure and function (PolyPhen-2) suggests that this variant is likely to be tolerated. In summary, the available evidence is currently insufficient to determine the role of this variant in disease. Therefore, it has been classified as a Variant of Uncertain Significance.

NM_001114748.2(TMEM240):c.413G>A (p.Arg138Gln)

Gene: TMEM240 (transmembrane protein 240; minus strand). Cytogenetic location: 1p36.33.
Variant type: single nucleotide variant.
Coding change: c.413G>A on transcript NM_001114748.2 (MANE Select); coding-DNA position 413, G replaced by A.
Protein change: p.Arg138Gln; replaces arginine 138 with glutamine.
Molecular consequence: missense variant.
Genome position (GRCh38, 1-based): chr1:1,535,468, C>T on the plus strand (G>A on the coding strand, the complement: TMEM240 is on the minus strand). VCF-style: chr1-1535468-C-T. GRCh37 (hg19) VCF-style: chr1-1470848-C-T.
Other names: c.413G>A (NM_001114748.1); short protein forms R138Q.
Identifiers: ClinVar variation 2992312 (VCV002992312.4), dbSNP rs1470073232, ClinGen allele CA337866085.